The following is an entry in ClinVar:

ClinVar aggregate classification (germline): Uncertain significance (1 of 4 stars; one submission).

Conditions:
Hereditary breast ovarian cancer syndrome. Also called: Hereditary breast and ovarian cancer syndrome; Hereditary breast and ovarian cancer; Hereditary breast and ovarian cancer syndrome (HBOC); Breast and ovarian cancer; Hereditary breast and/or ovarian cancer syndrome; BRCA1- and BRCA2-Associated Hereditary Breast and Ovarian Cancer. Identifiers: Orphanet 145, MedGen C0677776, MeSH D061325, MONDO:0003582. Disease mechanism: loss of function.

Submission:

Labcorp Genetics (formerly Invitae), Labcorp
Classification: Uncertain significance for Hereditary breast ovarian cancer syndrome. Last evaluated: 2017-12-12. Review status: criteria provided, single submitter. Criteria: Invitae Variant Classification Sherloc (09022015). Collection method: clinical testing. Allele origin: unknown.
Comment: This variant has not been reported in the literature in individuals with BRCA1-related disease. Experimental studies and prediction algorithms are not available for this variant, and the functional significance of the duplicated amino acids is currently unknown. This variant is a gross duplication of the genomic region encompassing the non-coding exon 1, the coding exons 2-7, and the first 12 nucleotides of exon 8 of the BRCA1 gene (c.-42819_559dup). The duplicated copy of this region is in tandem and while it preserves the integrity of the BRCA1 reading frame, the effect of this variant on BRCA1 expression is unknown. In summary, the available evidence is currently insufficient to determine the role of this variant in disease. Therefore, it has been classified as a Variant of Uncertain Significance.

NC_000017.10:g.(?_41249295)_(41320078_?)dup

Genes: BRCA1 (BRCA1 DNA repair associated; minus strand), NBR2 (neighbor of BRCA1 lncRNA 2; plus strand). Cytogenetic location: 17q21.31.
Variant type: Duplication.
Identifiers: ClinVar variation 3243027 (VCV003243027.1).